The following is an entry in ClinVar:

NM_022114.4(PRDM16):c.2361C>A (p.Pro787=)

Gene: PRDM16 (PR/SET domain 16; plus strand). Cytogenetic location: 1p36.32.
Variant type: single nucleotide variant.
Coding change: c.2361C>A on transcript NM_022114.4 (MANE Select); coding-DNA position 2361, C replaced by A.
Protein change: p.Pro787=; no amino-acid change (proline 787 retained).
Molecular consequence: synonymous variant.
Genome position (GRCh38, 1-based): chr1:3,412,558, C>A. VCF-style: chr1-3412558-C-A. GRCh37 (hg19) VCF-style: chr1-3329122-C-A.
Other names: c.2361C>A, p.Pro787= (NM_199454.3).
Identifiers: ClinVar variation 4084994 (VCV004084994.8).

ClinVar aggregate classification (germline): Likely benign (1 of 4 stars; one submission).

gnomAD v4.1: 4 of 1,611,658 alleles (0.00025%); highest among the groups gnomAD compares: South Asian, 0.0044%; no homozygotes.

Submission:

CeGaT Center for Human Genetics Tuebingen
Classification: Likely benign. Last evaluated: 2025-07-01. Review status: criteria provided, single submitter. Criteria: CeGaT Center For Human Genetics Tuebingen Variant Classification Criteria Version 2. Collection method: clinical testing. Allele origin: germline. Affected: yes. Observed: 1 variant allele.
Comment: PRDM16: BP4, BP7